The following is an entry in ClinVar:

ClinVar aggregate classification (germline): Pathogenic. Review status: criteria provided, multiple submitters, no conflicts (2 of 4 stars). 2 submissions from 2 submitters: Pathogenic (2). Last evaluated 2025-02-05.

Conditions:
Achromatopsia 2 (ACHM2). Also called: COLORBLINDNESS, TOTAL; ROD MONOCHROMACY 2; ROD MONOCHROMATISM 2. Identifiers: Orphanet 49382, MedGen C1857618, MONDO:0009003, OMIM 216900.

Allele frequency attached by ClinVar (database versions not stated): gnomAD exomes below 0.00001 and 0.00001; ExAC 0.00001; gnomAD 0.00001; TOPMed 0.00001.
gnomAD v4.1: 7 of 1,613,870 alleles (0.00043%); highest among the groups gnomAD compares: Middle Eastern, 0.016%; no homozygotes.

Submissions (2):

SingHealth Duke-NUS Institute of Precision Medicine
Classification: Pathogenic for Achromatopsia 2. Last evaluated: 2025-02-05. Review status: criteria provided, single submitter. Criteria: PRISM ACMG Classification Criteria. Collection method: clinical testing. Allele origin: germline. Affected: yes.
Comment: Variant is predicted to cause LOF in a gene where LOF is a known mechanism of pathogenicity and truncates more than 10% of the protein (PVS1). Homozygous allele count in gnomAD exomes and genomes are less than 0 (PM2). Variant is found in trans with a different pathogenic variant (PM3)

Labcorp Genetics (formerly Invitae), Labcorp
Classification: Pathogenic. Last evaluated: 2022-11-22. Review status: criteria provided, single submitter. Criteria: Invitae Variant Classification Sherloc (09022015). Collection method: clinical testing. Allele origin: germline.
Comment: For these reasons, this variant has been classified as Pathogenic. ClinVar contains an entry for this variant (Variation ID: 1444606). This premature translational stop signal has been observed in individual(s) with inherited retinal dystrophy and achromatopsia (PMID: 4903488, 26493561). In at least one individual the data is consistent with being in trans (on the opposite chromosome) from a pathogenic variant. This variant is present in population databases (rs772259302, gnomAD 0.02%). This sequence change creates a premature translational stop signal (p.Trp358*) in the CNGA3 gene. While this is not anticipated to result in nonsense mediated decay, it is expected to disrupt the last 337 amino acid(s) of the CNGA3 protein.

Literature cited by the submitters: PubMed 4903488 (cited by Labcorp Genetics (formerly Invitae), Labcorp); PubMed 26493561 (cited by Labcorp Genetics (formerly Invitae), Labcorp).

NM_001298.3(CNGA3):c.1074G>A (p.Trp358Ter)

Gene: CNGA3 (cyclic nucleotide gated channel subunit alpha 3; plus strand). Cytogenetic location: 2q11.2.
Variant type: single nucleotide variant.
Coding change: c.1074G>A on transcript NM_001298.3 (MANE Select); coding-DNA position 1074, G replaced by A.
Protein change: p.Trp358Ter; replaces tryptophan 358 with a stop codon.
Molecular consequence: nonsense.
Genome position (GRCh38, 1-based): chr2:98,396,244, G>A. VCF-style: chr2-98396244-G-A. GRCh37 (hg19) VCF-style: chr2-99012707-G-A.
Other names: c.1020G>A, p.Trp340Ter (NM_001079878.2); short protein forms W340*, W358*.
Identifiers: ClinVar variation 1444606 (VCV001444606.9), dbSNP rs772259302, ClinGen allele CA1793941.